The following is an entry in ClinVar:

ClinVar aggregate classification (germline): Likely pathogenic (1 of 4 stars; one submission).

Conditions:
Tyrosinemia type I (TYRSN1). Also called: Tyrosinemia type 1; Fumarylacetoacetase deficiency; Deficiency of fumarylacetoacetase; HEPATORENAL TYROSINEMIA; FAH DEFICIENCY. Identifiers: Orphanet 882, MedGen C0268490, MONDO:0010161, OMIM 276700. Disease mechanism: loss of function.

Submission:

Labcorp Genetics (formerly Invitae), Labcorp
Classification: Likely pathogenic for Tyrosinemia type I. Last evaluated: 2020-07-09. Review status: criteria provided, single submitter. Criteria: Invitae Variant Classification Sherloc (09022015). Collection method: clinical testing. Allele origin: germline.
Comment: This sequence change affects the initiator methionine of the FAH mRNA. The next in-frame methionine is located at codon 71. This variant is not present in population databases (ExAC no frequency). This variant has not been reported in the literature in individuals with FAH-related conditions. A different variant (c.1A>G) giving rise to the same protein effect observed here (p.Met1?) has been determined to be pathogenic (PMID: 21764616, 22802474, 24016420). This suggests that this variant is also likely to be causative of disease. In summary, the currently available evidence indicates that the variant is pathogenic, but additional data are needed to prove that conclusively. Therefore, this variant has been classified as Likely Pathogenic.

Literature cited by the submitters: PubMed 21764616; PubMed 22802474; PubMed 24016420.

NM_000137.4(FAH):c.1A>C (p.Met1Leu)

Gene: FAH (fumarylacetoacetate hydrolase; plus strand). Cytogenetic location: 15q25.1.
Variant type: single nucleotide variant.
Coding change: c.1A>C on transcript NM_000137.4 (MANE Select); coding-DNA position 1, A replaced by C.
Protein change: p.Met1Leu; changes the start codon (methionine 1).
Molecular consequence: missense variant, initiator codon variant.
Genome position (GRCh38, 1-based): chr15:80,153,055, A>C. VCF-style: chr15-80153055-A-C. GRCh37 (hg19) VCF-style: chr15-80445397-A-C.
Other names: c.1A>C, p.Met1Leu (NM_001374377.1, NM_001374380.1); short protein forms M1L.
Identifiers: ClinVar variation 1066042 (VCV001066042.9), dbSNP rs1057517972, ClinGen allele CA393615343.